The following is an entry in ClinVar:

NM_003716.4(CADPS):c.3050A>T (p.Asn1017Ile)

Gene: CADPS (calcium dependent secretion activator; minus strand). Cytogenetic location: 3p14.2.
Variant type: single nucleotide variant.
Coding change: c.3050A>T on transcript NM_003716.4 (MANE Select); coding-DNA position 3050, A replaced by T.
Protein change: p.Asn1017Ile; replaces asparagine 1017 with isoleucine.
Molecular consequence: missense variant. On other transcripts: intron variant (2).
Genome position (GRCh38, 1-based): chr3:62,481,846, T>A on the plus strand (A>T on the coding strand, the complement: CADPS is on the minus strand). VCF-style: chr3-62481846-T-A. GRCh37 (hg19) VCF-style: chr3-62467521-T-A.
Other names: c.2937-3430A>T (NM_183393.3); c.3057-3430A>T (NM_183394.3); short protein forms N1017I.
Identifiers: ClinVar variation 3055647 (VCV003055647.2), dbSNP rs77008736, ClinGen allele CA2476482.
Genomic context (GRCh38, chr3:62,481,846, plus strand): 5'-AGAGGGATGTTAACTGGTAGATTTGGTACTTTGGGAAGGTTCACATTGGGTAGGTTCACA[T>A]TGGGTAGGTTACTGGTTAAACTCCTGTGGAAGAAACAGACAGAAAGAAAAAATACCATCA-3'
Protein context (NP_003707.2, residues 1007-1027): PVKSLTSNLP[Asn1017Ile]VNLPNVNLPK

ClinVar aggregate classification (germline): Likely benign (0 of 4 stars; one submission).

Conditions:
CADPS-related disorder. Also called: CADPS-related condition.

Allele frequency attached by ClinVar (database versions not stated): 1000 Genomes Project 0.00140; 1000 Genomes Project 30x 0.00172; ESP Exome Variant Server 0.00199.
gnomAD v4.1: 5,460 of 1,611,328 alleles (0.34%); highest among the groups gnomAD compares: Middle Eastern, 0.46%; 14 homozygotes.

Submission:

PreventionGenetics, part of Exact Sciences
Classification: Likely benign for CADPS-related condition. Last evaluated: 2019-12-26. Review status: no assertion criteria provided. Collection method: clinical testing. Allele origin: germline.
Comment: This variant is classified as likely benign based on ACMG/AMP sequence variant interpretation guidelines (Richards et al. 2015 PMID: 25741868, with internal and published modifications).